The following is an entry in ClinVar:

ClinVar aggregate classification (germline): Benign. Review status: criteria provided, multiple submitters, no conflicts (2 of 4 stars). 2 submissions from 2 submitters: Benign (2). Last evaluated 2018-06-19.

Allele frequency attached by ClinVar (database versions not stated): 1000 Genomes Project 0.04972; 1000 Genomes Project 30x 0.04997; TOPMed 0.08496; gnomAD 0.08952 and 0.09324.
gnomAD v4.1: 13,620 of 152,200 alleles (8.9%); highest among the groups gnomAD compares: Non-Finnish European, 11%; 693 homozygotes.

Submissions (2):

GeneDx
Classification: Benign. Last evaluated: 2018-06-19. Review status: criteria provided, single submitter. Criteria: GeneDx Variant Classification (06012015). Collection method: clinical testing. Allele origin: germline. Affected: yes.
Comment: This variant is considered likely benign or benign based on one or more of the following criteria: it is a conservative change, it occurs at a poorly conserved position in the protein, it is predicted to be benign by multiple in silico algorithms, and/or has population frequency not consistent with disease.

Breakthrough Genomics
Classification: Benign. Review status: criteria provided, single submitter. Criteria: ACMG Guidelines, 2015. Collection method: not provided. Allele origin: germline. Inheritance: Autosomal dominant inheritance. Affected: yes.

NM_001136472.2(LITAF):c.378-295C>T

Gene: LITAF (lipopolysaccharide induced TNF factor; minus strand). Cytogenetic location: 16p13.13.
Variant type: single nucleotide variant.
Coding change: c.378-295C>T on transcript NM_001136472.2 (MANE Select); 295 bases into the intron before coding-DNA position 378, C replaced by T.
Molecular consequence: intron variant.
Genome position (GRCh38, 1-based): chr16:11,550,040, G>A on the plus strand (C>T on the coding strand, the complement: LITAF is on the minus strand). VCF-style: chr16-11550040-G-A. GRCh37 (hg19) VCF-style: chr16-11643896-G-A.
Other names: c.*17-295C>T (NM_001136473.1); c.378-295C>T (NM_004862.4).
Identifiers: ClinVar variation 671794 (VCV000671794.2), dbSNP rs74469401, ClinGen allele CA14212185.